The following is an entry in ClinVar:

NM_001267550.2(TTN):c.39296-2A>C

Gene: TTN (titin; minus strand). Cytogenetic location: 2q31.2.
Variant type: single nucleotide variant.
Coding change: c.39296-2A>C on transcript NM_001267550.2 (MANE Select); the canonical splice acceptor site of the intron before coding-DNA position 39296, A replaced by C.
Molecular consequence: splice acceptor variant. On other transcripts: intron variant (3).
Genome position (GRCh38, 1-based): chr2:178,651,969, T>G on the plus strand (A>C on the coding strand, the complement: TTN is on the minus strand). VCF-style: chr2-178651969-T-G. GRCh37 (hg19) VCF-style: chr2-179516696-T-G.
Other names: c.13283-9652A>C (NM_003319.4); c.13859-9652A>C (NM_133437.4); c.13658-9652A>C (NM_133432.3); c.31994-2A>C (NM_133378.4); c.34775-2A>C (NM_001256850.1).
Identifiers: ClinVar variation 4791838 (VCV004791838.1).
Genomic context (GRCh38, chr2:178,651,969, plus strand): 5'-CTCTTCCACAACTTCAGCAGGAGGCTCTTCTAGGGCAACTTCCTCAGGCTCCTCGAACAC[T>G]TTAAAGACATGAGCTCATTTTAATGCCAGAATTGACTAAAACTGAGATAGTTTGCAAAAA-3'

ClinVar aggregate classification (germline): Likely pathogenic (1 of 4 stars; one submission).

Conditions:
Autosomal recessive limb-girdle muscular dystrophy type 2J (LGMDR10). Also called: Limb-girdle muscular dystrophy, type 2J; MUSCULAR DYSTROPHY, LIMB-GIRDLE, AUTOSOMAL RECESSIVE 10. Identifiers: Orphanet 140922, MedGen C1837342, MONDO:0012127, OMIM 608807.
Dilated cardiomyopathy 1G (CMD1G). Identifiers: Orphanet 154, MedGen C1858763, MONDO:0011400, OMIM 604145.

gnomAD v4.1: 1 of 1,610,820 alleles (0.000062%); highest among the groups gnomAD compares: South Asian, 0.0011%; no homozygotes.

Submission:

Labcorp Genetics (formerly Invitae), Labcorp
Classification: Likely pathogenic for Dilated cardiomyopathy 1G; Autosomal recessive limb-girdle muscular dystrophy type 2J. Last evaluated: 2025-08-10. Review status: criteria provided, single submitter. Criteria: Invitae Variant Classification Sherloc (09022015). Collection method: clinical testing. Allele origin: germline.
Comment: This sequence change affects an acceptor splice site in intron 204 of the TTN gene. It is expected to disrupt RNA splicing and likely results in a truncated or disrupted TTN protein. This variant is not present in population databases (gnomAD no frequency). This variant has not been reported in the literature in individuals affected with TTN-related conditions. Algorithms developed to predict the effect of sequence changes on RNA splicing suggest that this variant may disrupt the consensus splice site. This variant is located in the I band of TTN (PMID: 25589632). Truncating variants in this region have been reported in individuals affected with autosomal recessive centronuclear myopathy (PMID: 23975875, internal data). Truncating variants in this region have also been identified in individuals affected with autosomal dominant dilated cardiomyopathy and/or cardio-related conditions (PMID: 27869827, 32964742, internal data). In summary, the currently available evidence indicates that the variant is pathogenic, but additional data are needed to prove that conclusively. Therefore, this variant has been classified as Likely Pathogenic.

Literature cited by the submitters: PubMed 25589632; PubMed 23975875; PubMed 27869827; PubMed 32964742.